The following is an entry in ClinVar:

ClinVar aggregate classification (germline): Uncertain significance. Review status: criteria provided, multiple submitters, no conflicts (2 of 4 stars). 2 submissions from 2 submitters: Uncertain significance (2). Last evaluated 2023-11-10.

Conditions:
Inborn genetic diseases. Identifiers: MedGen C0950123, MeSH D030342.

Submissions (2):

Blueprint Genetics
Classification: Uncertain significance. Last evaluated: 2023-11-10. Review status: criteria provided, single submitter. Criteria: ACMG Guidelines, 2015. Collection method: clinical testing. Allele origin: germline.

Ambry Genetics
Classification: Uncertain significance for Inborn genetic diseases. Last evaluated: 2017-08-28. Review status: criteria provided, single submitter. Criteria: Ambry Variant Classification Scheme 2023. Collection method: clinical testing. Allele origin: germline.
Comment: The p.A222V variant (also known as c.665C>T), located in coding exon 5 of the CACNA1A gene, results from a C to T substitution at nucleotide position 665. The alanine at codon 222 is replaced by valine, an amino acid with similar properties. This amino acid position is highly conserved in available vertebrate species. In addition, this alteration is predicted to be deleterious by in silico analysis. Since supporting evidence is limited at this time, the clinical significance of this alteration remains unclear.

NM_001127222.2(CACNA1A):c.665C>T (p.Ala222Val)

Gene: CACNA1A (calcium voltage-gated channel subunit alpha1 A; minus strand). Cytogenetic location: 19p13.13.
Variant type: single nucleotide variant.
Coding change: c.665C>T on transcript NM_001127222.2 (MANE Select); coding-DNA position 665, C replaced by T.
Protein change: p.Ala222Val; replaces alanine 222 with valine.
Molecular consequence: missense variant.
Genome position (GRCh38, 1-based): chr19:13,365,436, G>A on the plus strand (C>T on the coding strand, the complement: CACNA1A is on the minus strand). VCF-style: chr19-13365436-G-A. GRCh37 (hg19) VCF-style: chr19-13476250-G-A.
Other names: c.665C>T, p.Ala222Val (NM_001174080.2, NM_023035.3, NM_000068.4 and 1 more transcripts); short protein forms A222V.
Identifiers: ClinVar variation 1754728 (VCV001754728.3), dbSNP rs2513175677, ClinGen allele CA404348627.
Genomic context (GRCh38, chr19:13,365,436, plus strand): 5'-ATTGCAAAAATAAGGATTGCAAAAAATAGGAGGAGGCCGATCTGCAGCAAAGGGATCATC[G>A]CCTTCATGATCGACTTCAGGACGACTTGTAAACCTGGGGGGACACAGAGAGAGGCCCCAT-3'
Protein context (NP_001120694.1, residues 212-232): LQVVLKSIMK[Ala222Val]MIPLLQIGLL